The following is an entry in ClinVar:

NM_004260.4(RECQL4):c.737G>C (p.Ser246Thr)

Gene: RECQL4 (RecQ like helicase 4; minus strand). Cytogenetic location: 8q24.3.
Variant type: single nucleotide variant.
Coding change: c.737G>C on transcript NM_004260.4 (MANE Select); coding-DNA position 737, G replaced by C.
Protein change: p.Ser246Thr; replaces serine 246 with threonine.
Molecular consequence: missense variant.
Genome position (GRCh38, 1-based): chr8:144,516,382, C>G on the plus strand (G>C on the coding strand, the complement: RECQL4 is on the minus strand). VCF-style: chr8-144516382-C-G. GRCh37 (hg19) VCF-style: chr8-145741766-C-G.
Other names: short protein forms S246T.
Identifiers: ClinVar variation 652676 (VCV000652676.4), dbSNP rs1586824146, ClinGen allele CA372689456.

ClinVar aggregate classification (germline): Uncertain significance (1 of 4 stars; one submission).

Conditions:
Baller-Gerold syndrome (BGS). Also called: CRANIOSYNOSTOSIS WITH RADIAL DEFECTS. Identifiers: Orphanet 1225, MedGen C0265308, MONDO:0009039, OMIM 218600.

Submission:

Labcorp Genetics (formerly Invitae), Labcorp
Classification: Uncertain significance for Baller-Gerold syndrome. Last evaluated: 2018-11-19. Review status: criteria provided, single submitter. Criteria: Invitae Variant Classification Sherloc (09022015). Collection method: clinical testing. Allele origin: germline.
Comment: In summary, the available evidence is currently insufficient to determine the role of this variant in disease. Therefore, it has been classified as a Variant of Uncertain Significance. Algorithms developed to predict the effect of missense changes on protein structure and function are either unavailable or do not agree on the potential impact of this missense change (SIFT: "Tolerated"; PolyPhen-2: "Not Available"; Align-GVGD: "Class C0"). This variant has not been reported in the literature in individuals with RECQL4-related disease. This variant is not present in population databases (ExAC no frequency). This sequence change replaces serine with threonine at codon 246 of the RECQL4 protein (p.Ser246Thr). The serine residue is weakly conserved and there is a small physicochemical difference between serine and threonine.